The following is an entry in ClinVar:

ClinVar aggregate classification (germline): Uncertain significance (1 of 4 stars; one submission).

Allele frequency attached by ClinVar (database versions not stated): gnomAD exomes 0.00001.
gnomAD v4.1: 8 of 1,614,028 alleles (0.0005%); highest among the groups gnomAD compares: South Asian, 0.0011%; no homozygotes.

Submission:

Labcorp Genetics (formerly Invitae), Labcorp
Classification: Uncertain significance. Last evaluated: 2023-09-14. Review status: criteria provided, single submitter. Criteria: Invitae Variant Classification Sherloc (09022015). Collection method: clinical testing. Allele origin: germline.
Comment: This missense change has been observed in individual(s) with neurodevelopmental disorder (PMID: 33004838). The frequency data for this variant in the population databases is considered unreliable, as metrics indicate poor data quality at this position in the gnomAD database. This sequence change replaces arginine, which is basic and polar, with histidine, which is basic and polar, at codon 629 of the CLTC protein (p.Arg629His). This variant is also known as p.Arg626His. In summary, the available evidence is currently insufficient to determine the role of this variant in disease. Therefore, it has been classified as a Variant of Uncertain Significance. Advanced modeling of protein sequence and biophysical properties (such as structural, functional, and spatial information, amino acid conservation, physicochemical variation, residue mobility, and thermodynamic stability) performed at Invitae indicates that this missense variant is not expected to disrupt CLTC protein function.

Literature cited by the submitters: PubMed 33004838.

NM_004859.4(CLTC):c.1874G>A (p.Arg625His)

Gene: CLTC (clathrin heavy chain; plus strand). Cytogenetic location: 17q23.1.
Variant type: single nucleotide variant.
Coding change: c.1874G>A on transcript NM_004859.4 (MANE Select); coding-DNA position 1874, G replaced by A.
Protein change: p.Arg625His; replaces arginine 625 with histidine.
Molecular consequence: missense variant.
Genome position (GRCh38, 1-based): chr17:59,666,571, G>A. VCF-style: chr17-59666571-G-A. GRCh37 (hg19) VCF-style: chr17-57743932-G-A.
Other names: c.1886G>A, p.Arg629His (NM_001288653.2); short protein forms R629H, R625H.
Identifiers: ClinVar variation 2780398 (VCV002780398.3), dbSNP rs1465807161, ClinGen allele CA400428195.